The following is an entry in ClinVar:

NM_000159.4(GCDH):c.852+1del

Gene: GCDH (glutaryl-CoA dehydrogenase; plus strand). Cytogenetic location: 19p13.13.
Variant type: Deletion.
Coding change: c.852+1del on transcript NM_000159.4 (MANE Select); the canonical splice donor site of the intron after coding-DNA position 852, one base deleted (G; older notation c.852+1delG).
Molecular consequence: splice donor variant.
Genome position (GRCh38, 1-based): chr19:12,896,422, G deleted; the last of 5 consecutive G bases (chr19:12,896,418-12,896,422); deleting any one gives the same sequence. VCF-style (leftmost placement, unchanged base first): chr19-12896417-TG-T. GRCh37 (hg19) VCF-style: chr19-13007231-TG-T.
Other names: c.852+1del (NM_013976.5).
Identifiers: ClinVar variation 2092008 (VCV002092008.5), dbSNP rs767433730, ClinGen allele CA501150.

ClinVar aggregate classification (germline): Pathogenic/Likely pathogenic. Review status: criteria provided, multiple submitters, no conflicts (2 of 4 stars). 2 submissions from 2 submitters: Pathogenic (1); Likely pathogenic (1). Last evaluated 2022-02-02.

Conditions:
Glutaric aciduria, type 1. Also called: Glutaric Acidemia Type 1; Glutaric acidemia type I; Glutaricaciduria, type I; GA I; Glutaricacidemia Type 1; Glutaryl-CoA dehydrogenase deficiency. Identifiers: Orphanet 25, MedGen C0268595, MONDO:0009281, OMIM 231670.

Submissions (2):

Labcorp Genetics (formerly Invitae), Labcorp
Classification: Pathogenic for Glutaric aciduria, type 1. Last evaluated: 2022-02-02. Review status: criteria provided, single submitter. Criteria: Invitae Variant Classification Sherloc (09022015). Collection method: clinical testing. Allele origin: germline.
Comment: This variant has not been reported in the literature in individuals affected with GCDH-related conditions. This variant is also known as c.852+1del. Algorithms developed to predict the effect of sequence changes on RNA splicing suggest that this variant may disrupt the consensus splice site. For these reasons, this variant has been classified as Pathogenic. The frequency data for this variant in the population databases is considered unreliable, as metrics indicate poor data quality at this position in the gnomAD database. This sequence change creates a premature translational stop signal (p.Gly285Valfs*6) in the GCDH gene. It is expected to result in an absent or disrupted protein product. Loss-of-function variants in GCDH are known to be pathogenic (PMID: 10699052, 11854167, 16602100).

Neuberg Centre For Genomic Medicine, NCGM
Classification: Likely pathogenic for Glutaric aciduria, type 1. Review status: criteria provided, single submitter. Criteria: ACMG Guidelines, 2015. Collection method: clinical testing. Allele origin: germline. Inheritance: Autosomal recessive inheritance. Affected: yes.
Comment: The frameshift c.852+1del variant in GCDH gene has not been reported previously as a pathogenic variant nor as a benign variant, to our knowledge. This variant is reported with the allele frequency of 0.0008% in the gnomAD Exomes and novel in 1000 Genomes. This variant is predicted to cause loss of normal protein function through protein truncation. Loss of function variants have been previously reported to be disease causing. For these reasons, this variant has been classified as Likely Pathogenic.

Literature cited by the submitters: PubMed 10699052 (cited by Labcorp Genetics (formerly Invitae), Labcorp); PubMed 11854167 (cited by Labcorp Genetics (formerly Invitae), Labcorp); PubMed 16602100 (cited by Labcorp Genetics (formerly Invitae), Labcorp).